The following is an entry in ClinVar:

ClinVar aggregate classification (germline): Pathogenic. Review status: criteria provided, multiple submitters, no conflicts (2 of 4 stars). 3 submissions from 3 submitters: Pathogenic (2). 1 of the submissions does not count toward it. Last evaluated 2024-04-29.

Conditions:
Alport syndrome. Also called: Hemorrhagic familial nephritis; Hemorrhagic hereditary nephritis; Congenital hereditary hematuria. Identifiers: Orphanet 63, MedGen C1567741, MONDO:0018965.

Submissions (3):

Myriad Genetics, Inc.
Classification: Pathogenic for Alport syndrome. Last evaluated: 2024-04-29. Review status: criteria provided, single submitter. Criteria: Myriad Autosomal Dominant, Autosomal Recessive and X-Linked Classification Criteria (2023). Collection method: clinical testing. Allele origin: unknown.
Comment: NM_000092.4(COL4A4):c.3861_3862insTC(R1288Sfs*101) is expected to be pathogenic in the context of Alport syndrome, COL4A4-related. This variant is predicted to lead to an abnormal or absent protein product due to the creation of a premature termination codon in COL4A4, a gene where loss-of-function variants are known to be pathogenic. Please note: this variant was assessed in the context of healthy population screening.

Labcorp Genetics (formerly Invitae), Labcorp
Classification: Pathogenic. Last evaluated: 2020-03-05. Review status: criteria provided, single submitter. Criteria: Invitae Variant Classification Sherloc (09022015). Collection method: clinical testing. Allele origin: germline.
Comment: For these reasons, this variant has been classified as Pathogenic. Loss-of-function variants in COL4A4 are known to be pathogenic (PMID: 19129241, 21196518, 24052634, 24522496, 24854265, 25307543, 26809805, 27281700). This variant has not been reported in the literature in individuals with COL4A4-related conditions. ClinVar contains an entry for this variant (Variation ID: 562396). This sequence change creates a premature translational stop signal (p.Arg1288Serfs*101) in the COL4A4 gene. It is expected to result in an absent or disrupted protein product. This variant is not present in population databases (ExAC no frequency).

Gharavi Laboratory, Columbia University
Classification: Pathogenic. Last evaluated: 2018-09-16. Review status: no assertion criteria provided. Criteria: ACMG Guidelines, 2015. Collection method: research. Allele origin: germline. Affected: yes. Not counted in ClinVar's aggregate classification.

Literature cited by the submitters: PubMed 19129241 (cited by Labcorp Genetics (formerly Invitae), Labcorp); PubMed 21196518 (cited by Labcorp Genetics (formerly Invitae), Labcorp); PubMed 24052634 (cited by Labcorp Genetics (formerly Invitae), Labcorp); PubMed 24522496 (cited by Labcorp Genetics (formerly Invitae), Labcorp); PubMed 24854265 (cited by Labcorp Genetics (formerly Invitae), Labcorp); PubMed 25307543 (cited by Labcorp Genetics (formerly Invitae), Labcorp); PubMed 26809805 (cited by Labcorp Genetics (formerly Invitae), Labcorp); PubMed 27281700 (cited by Labcorp Genetics (formerly Invitae), Labcorp).

NM_000092.5(COL4A4):c.3861_3862insTC (p.Arg1288fs)

Gene: COL4A4 (collagen type IV alpha 4 chain; minus strand). Cytogenetic location: 2q36.3.
Variant type: Insertion.
Coding change: c.3861_3862insTC on transcript NM_000092.5 (MANE Select); coding-DNA positions 3861 to 3862, TC inserted.
Protein change: p.Arg1288fs; shifts the reading frame from arginine 1288.
Molecular consequence: frameshift variant.
Genome position: GRCh38 VCF-style: chr2-227030554-T-TGA. GRCh37 (hg19) VCF-style: chr2-227895270-T-TGA.
Other names: short protein forms R1288fs.
Identifiers: ClinVar variation 562396 (VCV000562396.5), dbSNP rs1559450594, ClinGen allele CA658821234.
Genomic context (GRCh38, chr2:227,030,554, plus strand): 5'-GGCCTGGTGGGCCAGGGGGACCTGGTGGCCCTGGTAGACCACAGTCACCTGGCTCCCCTC[T>TGA]CAGAAGGTCAACACTCCCAGGGAGGCCTGGAGGCCCAGGTGCTCCTGACCACAGAGAAGA-3'